The following is an entry in ClinVar:

ClinVar aggregate classification (germline): Conflicting classifications of pathogenicity. Review status: criteria provided, conflicting classifications (1 of 4 stars). 2 submissions from 2 submitters: Likely pathogenic (1); Uncertain significance (1). Last evaluated 2025-05-22.

Conditions:
Cortical dysplasia, complex, with other brain malformations 13. Also called: Intellectual disability, autosomal dominant 13. Identifiers: MedGen C3281202, MONDO:0013805, OMIM 614563.

gnomAD v4.1: 1 of 1,614,096 alleles (0.000062%); highest among the groups gnomAD compares: Non-Finnish European, 0.000085%; no homozygotes.

Submissions (2):

GeneDx
Classification: Likely pathogenic. Last evaluated: 2025-05-22. Review status: criteria provided, single submitter. Criteria: GeneDx Variant Classification Process June 2021. Collection method: clinical testing. Allele origin: germline. Affected: yes.
Comment: Not observed at significant frequency in large population cohorts (gnomAD); In silico analysis supports that this missense variant has a deleterious effect on protein structure/function; This variant is associated with the following publications: (PMID: 25512093, 25609763, 26100331, 35982159, 33057194)

3billion
Classification: Uncertain significance for Cortical dysplasia, complex, with other brain malformations 13. Last evaluated: 2021-10-25. Review status: criteria provided, single submitter. Criteria: ACMG Guidelines, 2015. Collection method: clinical testing. Allele origin: unknown. Affected: yes. Observed: 1 heterozygote.
Comment: This variant is not observed in the gnomAD v2.1.1 dataset (PM2). This variant is classified as uncertain significance according to the recommendation of ACMG/AMP guideline.

NM_001376.5(DYNC1H1):c.11222G>A (p.Arg3741His)

Gene: DYNC1H1 (dynein cytoplasmic 1 heavy chain 1; plus strand). Cytogenetic location: 14q32.31.
Variant type: single nucleotide variant.
Coding change: c.11222G>A on transcript NM_001376.5 (MANE Select); coding-DNA position 11222, G replaced by A.
Protein change: p.Arg3741His; replaces arginine 3741 with histidine.
Molecular consequence: missense variant.
Genome position (GRCh38, 1-based): chr14:102,039,016, G>A. VCF-style: chr14-102039016-G-A. GRCh37 (hg19) VCF-style: chr14-102505353-G-A.
Other names: short protein forms R3741H.
Identifiers: ClinVar variation 1321263 (VCV001321263.2), dbSNP rs2152594938, ClinGen allele CA391032964.
Genomic context (GRCh38, chr14:102,039,016, plus strand): 5'-CTTTTGAAGGATTATTGCAAACTCTGGATGTTTTATTCATTTAAGGGGAATTTCAGCTCC[G>A]TTTGCGTCAGCTGGAAAAATCTCTACTACAAGCTCTGAACGAGGTGAAAGGGCGCATTTT-3'
Protein context (NP_001367.2, residues 3731-3751): LLKLQGEFQL[Arg3741His]LRQLEKSLLQ